The following is an entry in ClinVar:

NM_001130823.3(DNMT1):c.2953T>C (p.Tyr985His)

Gene: DNMT1 (DNA methyltransferase 1; minus strand). Cytogenetic location: 19p13.2.
Variant type: single nucleotide variant.
Coding change: c.2953T>C on transcript NM_001130823.3 (MANE Select); coding-DNA position 2953, T replaced by C.
Protein change: p.Tyr985His; replaces tyrosine 985 with histidine.
Molecular consequence: missense variant.
Genome position (GRCh38, 1-based): chr19:10,143,929, A>G on the plus strand (T>C on the coding strand, the complement: DNMT1 is on the minus strand). VCF-style: chr19-10143929-A-G. GRCh37 (hg19) VCF-style: chr19-10254605-A-G.
Other names: c.2905T>C, p.Tyr969His (NM_001318730.2, NM_001379.4); c.2590T>C, p.Tyr864His (NM_001318731.2); short protein forms Y864H, Y969H, Y985H.
Identifiers: ClinVar variation 3373737 (VCV003373737.3).

ClinVar aggregate classification (germline): Uncertain significance. Review status: criteria provided, multiple submitters, no conflicts (2 of 4 stars). 3 submissions from 3 submitters: Uncertain significance (3). Last evaluated 2026-06-18.

Conditions:
Hereditary sensory neuropathy-deafness-dementia syndrome. Also called: HSN IE; NEUROPATHY, HEREDITARY SENSORY, WITH HEARING LOSS AND DEMENTIA; Hereditary sensory neuropathy type IE; Hereditary Sensory and Autonomic Neuropathy Type 1E (HSAN1E). Identifiers: Orphanet 456318, MedGen C3279885, MONDO:0013584, OMIM 614116.

Submissions (3):

Women's Health and Genetics/Laboratory Corporation of America, LabCorp
Classification: Uncertain significance. Last evaluated: 2026-06-18. Review status: criteria provided, single submitter. Criteria: LabCorp Variant Classification Summary - May 2015. Collection method: clinical testing. Allele origin: germline.
Comment: Variant summary: DNMT1 c.2953T>C (p.Tyr985His) results in a conservative amino acid change in the encoded protein sequence. Algorithms developed to predict the effect of missense changes on protein structure and function are either unavailable or do not agree on the potential impact of this missense change. The variant was absent in 251462 control chromosomes. The available data on variant occurrences in the general population are insufficient to allow any conclusion about variant significance. To our knowledge, no occurrence of c.2953T>C in individuals affected with DNMT1-related conditions and no experimental evidence demonstrating its impact on protein function have been reported. ClinVar contains an entry for this variant (Variation ID: 3373737). Based on the evidence outlined above, the variant was classified as uncertain significance.

Labcorp Genetics (formerly Invitae), Labcorp
Classification: Uncertain significance for Hereditary sensory neuropathy-deafness-dementia syndrome. Last evaluated: 2025-02-23. Review status: criteria provided, single submitter. Criteria: Invitae Variant Classification Sherloc (09022015). Collection method: clinical testing. Allele origin: germline.
Comment: This sequence change replaces tyrosine, which is neutral and polar, with histidine, which is basic and polar, at codon 985 of the DNMT1 protein (p.Tyr985His). This variant is not present in population databases (gnomAD no frequency). This variant has not been reported in the literature in individuals affected with DNMT1-related conditions. ClinVar contains an entry for this variant (Variation ID: 3373737). Invitae Evidence Modeling of protein sequence and biophysical properties (such as structural, functional, and spatial information, amino acid conservation, physicochemical variation, residue mobility, and thermodynamic stability) indicates that this missense variant is not expected to disrupt DNMT1 protein function with a negative predictive value of 80%. In summary, the available evidence is currently insufficient to determine the role of this variant in disease. Therefore, it has been classified as a Variant of Uncertain Significance.

GeneDx
Classification: Uncertain significance. Last evaluated: 2024-03-07. Review status: criteria provided, single submitter. Criteria: GeneDx Variant Classification Process June 2021. Collection method: clinical testing. Allele origin: germline. Affected: yes.
Comment: Not observed at significant frequency in large population cohorts (gnomAD); In silico analysis supports that this missense variant has a deleterious effect on protein structure/function; Has not been previously published as pathogenic or benign to our knowledge